The following is an entry in ClinVar:

ClinVar aggregate classification (germline): Uncertain significance (1 of 4 stars; one submission).

Conditions:
Carney complex, type 1 (CNC1). Also called: CARNEY MYXOMA-ENDOCRINE COMPLEX; CARNEY COMPLEX, TYPE I. Identifiers: Orphanet 1359, MedGen C2607929, MONDO:0008057, OMIM 160980.

Submission:

Labcorp Genetics (formerly Invitae), Labcorp
Classification: Uncertain significance for Carney complex, type 1. Last evaluated: 2024-01-25. Review status: criteria provided, single submitter. Criteria: Invitae Variant Classification Sherloc (09022015). Collection method: clinical testing. Allele origin: germline.
Comment: This variant occurs in a non-coding region of the PRKAR1A gene. It does not change the encoded amino acid sequence of the PRKAR1A protein. This variant is not present in population databases (gnomAD no frequency). This variant has not been reported in the literature in individuals affected with PRKAR1A-related conditions. In summary, the available evidence is currently insufficient to determine the role of this variant in disease. Therefore, it has been classified as a Variant of Uncertain Significance.

NM_002734.5(PRKAR1A):c.-10C>G

Gene: PRKAR1A (protein kinase cAMP-dependent type I regulatory subunit alpha; plus strand). Cytogenetic location: 17q24.2.
Variant type: single nucleotide variant.
Coding change: c.-10C>G on transcript NM_002734.5 (MANE Select); 10 bases upstream of the start codon, C replaced by G.
Molecular consequence: 5 prime UTR variant. On other transcripts: intron variant (3).
Genome position (GRCh38, 1-based): chr17:68,512,545, C>G. VCF-style: chr17-68512545-C-G. GRCh37 (hg19) VCF-style: chr17-66508686-C-G.
Other names: c.-143C>G (NM_001276289.2); c.-41C>G (NM_212472.2); c.-6-2849C>G (NM_001278433.2); c.-140+403C>G (NM_001369389.1); c.-7+403C>G (NM_212471.3).
Identifiers: ClinVar variation 2755261 (VCV002755261.3), dbSNP rs2509339069, ClinGen allele CA2697555108.